The following is an entry in ClinVar:

ClinVar aggregate classification (germline): Benign. Review status: criteria provided, multiple submitters, no conflicts (2 of 4 stars). 2 submissions from 2 submitters: Benign (2). Last evaluated 2018-01-13.

Conditions:
Autosomal recessive nonsyndromic hearing loss 30. Identifiers: Orphanet 90636, MedGen C1846784, MONDO:0011774, OMIM 607101.

Allele frequency attached by ClinVar (database versions not stated): 1000 Genomes Project 0.06390; 1000 Genomes Project 30x 0.06902; TOPMed 0.08213; gnomAD 0.08551.

Submissions (2):

Illumina Laboratory Services, Illumina
Classification: Benign for Autosomal recessive nonsyndromic hearing loss 30. Last evaluated: 2018-01-13. Review status: criteria provided, single submitter. Criteria: ICSL Variant Classification Criteria 13 December 2019. Collection method: clinical testing. Allele origin: germline.
Comment: This variant was observed in the ICSL laboratory as part of a predisposition screen in an ostensibly healthy population. It had not been previously curated by ICSL or reported in the Human Gene Mutation Database (HGMD: prior to June 1st, 2018), and was therefore a candidate for classification through an automated scoring system. Utilizing variant allele frequency, disease prevalence and penetrance estimates, and inheritance mode, an automated score was calculated to assess if this variant is too frequent to cause the disease. Based on the score and internal cut-off values, a variant classified as benign is not then subjected to further curation. The score for this variant resulted in a classification of benign for this disease.

Breakthrough Genomics
Classification: Benign. Review status: criteria provided, single submitter. Criteria: ACMG Guidelines, 2015. Collection method: not provided. Allele origin: germline. Inheritance: Autosomal recessive inheritance. Affected: yes.

NM_017433.5(MYO3A):c.-18G>A

Gene: MYO3A (myosin IIIA; plus strand). Cytogenetic location: 10p12.1.
Variant type: single nucleotide variant.
Coding change: c.-18G>A on transcript NM_017433.5 (MANE Select); 18 bases upstream of the start codon, G replaced by A.
Molecular consequence: 5 prime UTR variant.
Genome position (GRCh38, 1-based): chr10:25,935,830, G>A. VCF-style: chr10-25935830-G-A. GRCh37 (hg19) VCF-style: chr10-26224759-G-A.
Other names: c.-18G>A (NM_001368265.1).
Identifiers: ClinVar variation 299643 (VCV000299643.6), dbSNP rs10128298, ClinGen allele CA10635509.